The following is an entry in ClinVar:

NM_003482.4(KMT2D):c.2040G>A (p.Thr680=)

Gene: KMT2D (lysine methyltransferase 2D; minus strand). Cytogenetic location: 12q13.12.
Variant type: single nucleotide variant.
Coding change: c.2040G>A on transcript NM_003482.4 (MANE Select); coding-DNA position 2040, G replaced by A.
Protein change: p.Thr680=; no amino-acid change (threonine 680 retained).
Molecular consequence: synonymous variant.
Genome position (GRCh38, 1-based): chr12:49,051,643, C>T on the plus strand (G>A on the coding strand, the complement: KMT2D is on the minus strand). VCF-style: chr12-49051643-C-T. GRCh37 (hg19) VCF-style: chr12-49445426-C-T.
Identifiers: ClinVar variation 741036 (VCV000741036.29), dbSNP rs1361468544, ClinGen allele CA479714117.

ClinVar aggregate classification (germline): Likely benign. Review status: criteria provided, multiple submitters, no conflicts (2 of 4 stars). 3 submissions from 3 submitters: Likely benign (3). Last evaluated 2025-03-03.

Conditions:
Kabuki syndrome. Also called: Kabuki make-up syndrome; NIIKAWA-KUROKI SYNDROME. Identifiers: Orphanet 2322, MedGen C0796004, MONDO:0016512.

Allele frequency attached by ClinVar (database versions not stated): gnomAD exomes below 0.00001.
gnomAD v4.1: 4 of 1,554,824 alleles (0.00026%); highest among the groups gnomAD compares: Middle Eastern, 0.017%; no homozygotes.

Submissions (3):

Labcorp Genetics (formerly Invitae), Labcorp
Classification: Likely benign for Kabuki syndrome. Last evaluated: 2025-03-03. Review status: criteria provided, single submitter. Criteria: Invitae Variant Classification Sherloc (09022015). Collection method: clinical testing. Allele origin: germline.

CeGaT Center for Human Genetics Tuebingen
Classification: Likely benign. Last evaluated: 2022-09-01. Review status: criteria provided, single submitter. Criteria: CeGaT Center For Human Genetics Tuebingen Variant Classification Criteria Version 2. Collection method: clinical testing. Allele origin: germline. Affected: yes. Observed: 1 variant allele.
Comment: KMT2D: BP4, BP7

Breakthrough Genomics
Classification: Likely benign. Review status: criteria provided, single submitter. Criteria: ACMG Guidelines, 2015. Collection method: not provided. Allele origin: germline. Inheritance: Autosomal dominant inheritance. Affected: yes.